The following is an entry in ClinVar:

NM_002335.4(LRP5):c.2268_2293del (p.Trp757fs)

Gene: LRP5 (LDL receptor related protein 5; plus strand). Cytogenetic location: 11q13.2.
Variant type: Deletion.
Coding change: c.2268_2293del on transcript NM_002335.4 (MANE Select); coding-DNA positions 2268 to 2293, 26 bases deleted (GTGGAGGGACTTGGACAACCCGAGGT).
Protein change: p.Trp757fs; shifts the reading frame from tryptophan 757.
Molecular consequence: frameshift variant.
Genome position (GRCh38, 1-based): chr11:68,410,090-68,410,115, GTGGAGGGACTTGGACAACCCGAGGT deleted; deleting any 26 consecutive bases within chr11:68,410,088-68,410,115 gives the same sequence; the c. name uses the placement nearest the transcript's 3' end. VCF-style (leftmost placement, unchanged base first): chr11-68410087-CGTGTGGAGGGACTTGGACAACCCGAG-C. GRCh37 (hg19) VCF-style: chr11-68177555-CGTGTGGAGGGACTTGGACAACCCGAG-C.
Other names: c.525_550del, p.Trp176fs (NM_001291902.2); short protein forms W176fs, W757fs.
Identifiers: ClinVar variation 3256894 (VCV003256894.1).

ClinVar aggregate classification (germline): Likely pathogenic (1 of 4 stars; one submission).

Conditions:
Polycystic liver disease 4 with or without kidney cysts. Identifiers: MedGen C4693479, MONDO:0044327, OMIM 617875.

Submission:

MVZ Medizinische Genetik Mainz
Classification: Likely pathogenic for Polycystic liver disease 4 with or without kidney cysts. Last evaluated: 2024-07-01. Review status: criteria provided, single submitter. Criteria: UK Practice Guidelines For Variant Classification V4 01 2020. Collection method: clinical testing. Allele origin: germline. Inheritance: Autosomal dominant inheritance. Affected: yes. Observed: 1 variant allele.
Comment: ACMG Criteria: PVS1,PM2_SUP